The following is an entry in ClinVar:

NM_000152.5(GAA):c.1076-22T>G

Gene: GAA (alpha glucosidase; plus strand). Cytogenetic location: 17q25.3.
Variant type: single nucleotide variant.
Coding change: c.1076-22T>G on transcript NM_000152.5 (MANE Select); 22 bases into the intron before coding-DNA position 1076, T replaced by G.
Molecular consequence: intron variant.
Genome position (GRCh38, 1-based): chr17:80,108,467, T>G. VCF-style: chr17-80108467-T-G. GRCh37 (hg19) VCF-style: chr17-78082266-T-G.
Other names: c.1076-22T>G (LRG_673t1, NM_001079803.3, NM_001079804.3 and 1 more transcripts).
Identifiers: ClinVar variation 370278 (VCV000370278.26), dbSNP rs762260678, ClinGen allele CA8815157.

ClinVar aggregate classification (germline): Pathogenic. Review status: reviewed by expert panel (3 of 4 stars). 11 submissions from 11 submitters: Pathogenic (1). 10 of the submissions do not count toward it. Last evaluated 2024-02-06.

Conditions:
Glycogen storage disease, type II (IOPD). Also called: Pompe Disease; CARDIOMEGALIA GLYCOGENICA DIFFUSA; Glucosidase acid-1,4-alpha deficiency; GLYCOGENOSIS, GENERALIZED, CARDIAC FORM; GSD II; POMPE DISEASE, INFANTILE-ONSET. Identifiers: Orphanet 365, MedGen C0017921, MONDO:0009290, OMIM 232300.
GAA-related disorders.
GAA-related disorder. Also called: GAA-related condition.

Allele frequency attached by ClinVar (database versions not stated): gnomAD exomes 0.00002; ExAC 0.00003.
gnomAD v4.1: 10 of 1,613,132 alleles (0.00062%); highest among the groups gnomAD compares: Non-Finnish European, 0.00076%; no homozygotes.

Submissions (11):

ClinGen Lysosomal Storage Disorder Variant Curation Expert Panel
Classification: Pathogenic for Glycogen storage disease, type II. Last evaluated: 2024-02-06. Review status: reviewed by expert panel. Criteria: clingen_lsd_acmg_specifications_v2-1. Collection method: curation. Allele origin: germline. Inheritance: Autosomal recessive inheritance.
Comment: The NM_000152.5:c.1076-22T>G variant in GAA occurs within intron 6. Experimental studies show that the variant causes skipping of biologically-relevant-exon 6 resulting in an in-frame deletion of amino acids 319-358 (PMIDs 9259196, 10737124). This includes part of the GAA catalytic barrel (amino acids 347-727) (Kroos et al, 2012, PMID 22253258; Deming et al, 2017; DOI 10.1101/212837) (PVS1_Strong). At least 7 probands have been reported with this variant, at least 5 of them with reported GAA activity <10% normal in lymphocytes, leukocytes or muscle samples, or <30% normal in cultured fibroblasts, or in the affected range in a clinically validated dried blood spot assay (PP4_Moderate). Of these individuals, 6 are compound heterozygous for the variant and another variant in GAA that has been classified as pathogenic or likely pathogenic by the ClinGen Lysosomal Diseases VCEP, including 2 confirmed in trans - c.2560C>T (p.Arg854Ter) (ClinVar Variation ID: 4034, SCV001371731.1) (PMID: 9259196), c.1437+1G>A (ClinVar Variation ID: 555864, SCV004227900.1), and 4 with phase unknown - c.1942G>A (p.Gly648Ser) (ClinVar Variation ID: 188902, SCV001371752.2) (PMID: 25455803), c.-32-13T>G (ClinVar Variation ID: 4027) (PMID: 22613277), c.1841C>A (p.Thr614Lys) (ClinVar Variation ID: 167113, SCV001371751.1) (PMID: 21484825), and c.525delT (ClinVar Variation ID: 4033, SCV001443331.1) (PMID: 29181627). In addition, two siblings are homozygous for the variant (PMID: 10737124) (PM3_VeryStrong). The highest population minor allele frequency in gnomAD v2.1.1 is 0.00002658 (3/112848 alleles) in the European non-Finnish population, which is lower than the ClinGen Lysosomal Diseases VCEP’s threshold for PM2_Supporting (<0.001), meeting this criterion (PM2_Supporting). There is a ClinVar entry for this variant (Variation ID: 370278). In summary, this variant meets the criteria to be classified as Pathogenic for Pompe disease based on the GAA-specific ACMG/AMP criteria applied, as specified by the ClinGen Lysosomal Diseases Variant Curation Expert Panel (Specifications Version 2.0): PVS1_Strong, PM3_Strong, PP4_Moderate, PM2_Supporting. (Classification approved by the ClinGen Lysosomal Diseases Variant Curation Expert Panel on February 6, 2024).

Genomenon, Inc
Classification: Pathogenic for Glycogen storage disease, type II. Last evaluated: 2026-07-01. Review status: criteria provided, single submitter. Criteria: Genomenon Sequence Variant Interpretation Standards - Updated. Collection method: curation. Allele origin: germline. Affected: yes. Not counted in ClinVar's aggregate classification.
Comment: GAA c.1076-22T>G is an intronic variant located in intron 6. This variant has been observed in at least one proband with a GAA-related disorder in the compound heterozygous and/or homozygous state (PMID:27408821;33972680;9259196;10737124;27408821). At least one splicing study has demonstrated that this variant results in aberrant splicing (PMID:9259196;10737124). It is absent or not present at a significant frequency in gnomAD. In conclusion, we classify GAA c.1076-22T>G as a pathogenic variant.

PreventionGenetics, part of Exact Sciences
Classification: Pathogenic for GAA-related condition. Last evaluated: 2025-01-13. Review status: criteria provided, single submitter. Criteria: ACMG Guidelines, 2015. Collection method: clinical testing. Allele origin: germline. Not counted in ClinVar's aggregate classification.
Comment: The GAA c.1076-22T>G variant is predicted to interfere with splicing. This variant has been reported in both the compound heterozygous state and homozygous state in several individuals with late-onset Pompe disease (see for examples: Adams et al. 1997. PubMed ID: 9259196; Vorgerd et al. 1998. PubMed ID: 10737124; Bali et al. 2011. PubMed ID: 21484825; Patel et al. 2012. PubMed ID: 22613277; Löscher et al. 2017. PubMed ID: 29181627), and in vitro functional studies have consistently demonstrated this variant creates a new strong acceptor splice site in intron 6, which results in the in-frame deletion and replacement of exon 6 with 21 inserted nucleotides in the mRNA (Adams et al. 1997. PubMed ID: 9259196; Vorgerd et al. 1998. PubMed ID: 10737124). This variant is reported in 0.0027% of alleles in individuals of European (non-Finnish) descent in gnomAD. This variant has been interpreted as pathogenic by the ClinGen Lysosomal Storage Disorder Variant Curation Expert Panel. Taken together, this variant is interpreted as pathogenic.

Blueprint Genetics
Classification: Pathogenic for GAA-related disorders. Last evaluated: 2024-08-23. Review status: criteria provided, single submitter. Criteria: ACMG Guidelines, 2015. Collection method: clinical testing. Allele origin: germline. Affected: yes. Observed: 1 variant allele. Not counted in ClinVar's aggregate classification.

Labcorp Genetics (formerly Invitae), Labcorp
Classification: Pathogenic for Glycogen storage disease, type II. Last evaluated: 2024-07-06. Review status: criteria provided, single submitter. Criteria: Invitae Variant Classification Sherloc (09022015). Collection method: clinical testing. Allele origin: germline. Not counted in ClinVar's aggregate classification.
Comment: This sequence change falls in intron 6 of the GAA gene. It does not directly change the encoded amino acid sequence of the GAA protein. RNA analysis indicates that this variant induces altered splicing and likely results in a shortened protein product. This variant is present in population databases (rs762260678, gnomAD 0.003%). This variant has been observed in individual(s) with glycogen storage disease type II (GSD II) (PMID: 9259196, 10737124, 22613277). In at least one individual the data is consistent with being in trans (on the opposite chromosome) from a pathogenic variant. It has also been observed to segregate with disease in related individuals. This variant is also known as IVS6-22T>G. ClinVar contains an entry for this variant (Variation ID: 370278). Studies have shown that this variant results in skipping of exon 6, but is expected to preserve the integrity of the reading-frame (PMID: 9259196). For these reasons, this variant has been classified as Pathogenic.

Baylor Genetics
Classification: Pathogenic for Glycogen storage disease, type II. Last evaluated: 2024-02-17. Review status: criteria provided, single submitter. Criteria: ACMG Guidelines, 2015. Collection method: clinical testing. Allele origin: unknown. Not counted in ClinVar's aggregate classification.

Revvity Omics, Revvity
Classification: Pathogenic. Last evaluated: 2021-09-20. Review status: criteria provided, single submitter. Criteria: ACMG Guidelines, 2015. Collection method: clinical testing. Allele origin: germline. Not counted in ClinVar's aggregate classification.

Broad Center for Mendelian Genomics, Broad Institute of MIT and Harvard
Classification: Pathogenic for Glycogen storage disease, type II. Last evaluated: 2020-01-22. Review status: criteria provided, single submitter. Criteria: ACMG Guidelines, 2015. Collection method: curation. Allele origin: germline. Inheritance: Autosomal recessive inheritance. Not counted in ClinVar's aggregate classification.
Comment: This variant has been identified in 0.003% (3/112848) of European (non-Finnish) chromosomes by the Genome Aggregation Database (gnomAD; dbSNP rs762260678). Although this variant has been seen in the general population, its frequency is low enough to be consistent with a recessive carrier frequency. In vitro functional studies with RNA extracted from individuals homozygous for this variant provide some evidence that the c.1076-22T>G variant may cause abnormal splicing (PMID: 10737124). However, these types of assays may not accurately represent biological function. Computational prediction tools and conservation analyses suggest that this variant may impact splicing, though this information is not predictive enough to determine pathogenicity. The presence of this variant in the homozygous state and in combination with pathogenic variants, and in individuals with Glycogen Storage Disorder II increases the likelihood that the c.1076-22T>G variant is pathogenic (PMID: 10737124, 22676651, 22613277, 9259196, 21484825). The phenotype of homozygous and heterozygous individuals with this variant is highly specific for Glycogen Storage Disease II based on reduced GAA activity detected in relevant tissues (PMID: 10737124, 22676651, 22613277, 9259196, 21484825). In summary, this variant meets criteria to be classified as pathogenic for Glycogen Storage Disorder II in an autosomal recessive manner based on in vitro functional studies and multiple occurrences with pathogenic variants. ACMG/AMP Criteria applied: PM3_Strong, PS3, PM2, PP3, PP4 (Richards 2015).

GeneDx
Classification: Pathogenic. Last evaluated: 2019-10-29. Review status: criteria provided, single submitter. Criteria: GeneDx Variant Classification Process June 2021. Collection method: clinical testing. Allele origin: germline. Affected: yes. Not counted in ClinVar's aggregate classification.
Comment: Predicted to create a strong cryptic splice acceptor site upstream of the natural splice acceptor site of intron 6 and analysis of patient cDNA demonstrates an in-frame insertion of 21 nucleotides and skipping of exon 6 causing insertion of 7 incorrect amino acids and loss of 40 amino acids encoded by exon 6 (Adams et al., 1997; Vorgerd et al., 1998); Not observed at a significant frequency in large population cohorts (Lek et al., 2016); This variant is associated with the following publications: (PMID: 31342611, 29181627, 9259196, 22613277, 10737124, 17643989, 21179066, 21484825, 27408821, 22676651, 25455803, 23013746, 9529346)

Natera, Inc.
Classification: Pathogenic for Glycogen storage disease type II. Last evaluated: 2020-09-16. Review status: no assertion criteria provided. Collection method: clinical testing. Allele origin: germline. Not counted in ClinVar's aggregate classification.

Counsyl
Classification: Likely pathogenic for Glycogen storage disease, type II. Last evaluated: 2016-01-05. Review status: no assertion criteria provided. Collection method: clinical testing. Allele origin: unknown. Not counted in ClinVar's aggregate classification.

Literature cited by the submitters: PubMed 27408821 (cited by Genomenon, Inc); PubMed 33972680 (cited by Genomenon, Inc); PubMed 9259196 (cited by 4 submitters); PubMed 10737124 (cited by 4 submitters); PubMed 22613277 (cited by 3 submitters); PubMed 25455803 (cited by Broad Center for Mendelian Genomics, Broad Institute of MIT and Harvard and Counsyl); PubMed 21484825 (cited by Broad Center for Mendelian Genomics, Broad Institute of MIT and Harvard); PubMed 22676651 (cited by Broad Center for Mendelian Genomics, Broad Institute of MIT and Harvard and Counsyl); PubMed 23013746 (cited by Broad Center for Mendelian Genomics, Broad Institute of MIT and Harvard and Counsyl).